The following is an entry in ClinVar:

ClinVar aggregate classification (germline): Pathogenic. Review status: criteria provided, multiple submitters, no conflicts (2 of 4 stars). 2 submissions from 2 submitters: Pathogenic (2). Last evaluated 2021-01-15.

Conditions:
Hereditary cancer-predisposing syndrome. Also called: Hereditary Cancer Syndrome; Hereditary neoplastic syndrome; Neoplastic Syndromes, Hereditary; Tumor predisposition. Identifiers: Orphanet 140162, MedGen C0027672, MeSH D009386, MONDO:0015356.
Familial cancer of breast. Also called: BREAST CANCER, FAMILIAL; Hereditary breast cancer; hereditary breast carcinoma. Identifiers: Orphanet 227535, MedGen C0346153, MONDO:0016419, OMIM 114480. Disease mechanism: loss of function.

Submissions (2):

Labcorp Genetics (formerly Invitae), Labcorp
Classification: Pathogenic for Familial cancer of breast. Last evaluated: 2021-01-15. Review status: criteria provided, single submitter. Criteria: Invitae Variant Classification Sherloc (09022015). Collection method: clinical testing. Allele origin: germline.
Comment: This sequence change creates a premature translational stop signal (p.Arg3Valfs*4) in the CHEK2 gene. It is expected to result in an absent or disrupted protein product. Loss-of-function variants in CHEK2 are known to be pathogenic (PMID: 21876083, 24713400). This variant is not present in population databases (ExAC no frequency). This variant has not been reported in the literature in individuals with CHEK2-related conditions. For these reasons, this variant has been classified as Pathogenic.

Ambry Genetics
Classification: Pathogenic for Hereditary cancer-predisposing syndrome. Last evaluated: 2020-12-24. Review status: criteria provided, single submitter. Criteria: Ambry Variant Classification Scheme 2023. Collection method: clinical testing. Allele origin: germline.
Comment: The c.6_10delTCGGG pathogenic mutation, located in coding exon 1 of the CHEK2 gene, results from a deletion of 5 nucleotides at nucleotide positions 6 to 10, causing a translational frameshift with a predicted alternate stop codon (p.R3Vfs*4). This variant was not reported in population-based cohorts in the Genome Aggregation Database (gnomAD). This alteration is expected to result in loss of function by premature protein truncation or nonsense-mediated mRNA decay. As such, this alteration is interpreted as a disease-causing mutation.

Literature cited by the submitters: PubMed 21876083 (cited by Labcorp Genetics (formerly Invitae), Labcorp); PubMed 24713400 (cited by Labcorp Genetics (formerly Invitae), Labcorp).

NM_007194.4(CHEK2):c.6_10del (p.Arg3fs)

Gene: CHEK2 (checkpoint kinase 2; minus strand). Cytogenetic location: 22q12.1.
Variant type: Deletion.
Coding change: c.6_10del on transcript NM_007194.4 (MANE Select); coding-DNA positions 6 to 10, 5 bases deleted (TCGGG; older notation c.6_10delTCGGG).
Protein change: p.Arg3fs; shifts the reading frame from arginine 3.
Molecular consequence: frameshift variant.
Genome position (GRCh38, 1-based): chr22:28,734,712-28,734,716, CCCGA deleted on the plus strand (TCGGG on the coding strand, the reverse complement: CHEK2 is on the minus strand). VCF-style (leftmost placement, unchanged base first): chr22-28734711-TCCCGA-T. GRCh37 (hg19) VCF-style: chr22-29130699-TCCCGA-T.
Other names: c.6_10delTCGGG, p.Arg3Valfs (NM_001005735.3, NM_001349956.3, NM_145862.3); c.-772_-768delTCGGG (NM_001257387.3); short protein forms R3fs.
Identifiers: ClinVar variation 1449801 (VCV001449801.9), dbSNP rs2146157133, ClinGen allele CA2573157849.